The following is an entry in ClinVar:

ClinVar aggregate classification (germline): Pathogenic. Review status: criteria provided, multiple submitters, no conflicts (2 of 4 stars). 2 submissions from 2 submitters: Pathogenic (2). Last evaluated 2024-01-16.

Conditions:
Familial cancer of breast. Also called: BREAST CANCER, FAMILIAL; Hereditary breast cancer; hereditary breast carcinoma. Identifiers: Orphanet 227535, MedGen C0346153, MONDO:0016419, OMIM 114480. Disease mechanism: loss of function.
Hereditary cancer-predisposing syndrome. Also called: Hereditary Cancer Syndrome; Neoplastic Syndromes, Hereditary; Tumor predisposition; Hereditary neoplastic syndrome. Identifiers: Orphanet 140162, MedGen C0027672, MeSH D009386, MONDO:0015356.

Submissions (2):

Myriad Genetics, Inc.
Classification: Pathogenic for Familial cancer of breast. Last evaluated: 2024-01-16. Review status: criteria provided, single submitter. Criteria: Myriad Autosomal Dominant, Autosomal Recessive and X-Linked Classification Criteria (2023). Collection method: clinical testing. Allele origin: unknown.
Comment: This variant is considered pathogenic. This variant creates a frameshift predicted to result in premature protein truncation.

Ambry Genetics
Classification: Pathogenic for Hereditary cancer-predisposing syndrome. Last evaluated: 2017-01-27. Review status: criteria provided, single submitter. Criteria: Ambry Variant Classification Scheme 2023. Collection method: clinical testing. Allele origin: germline.
Comment: The c.1464delG pathogenic mutation, located in coding exon 9 of the ATM gene, results from a deletion of one nucleotide at nucleotide position 1464, causing a translational frameshift with a predicted alternate stop codon (p.W488Cfs*8). This alteration is expected to result in loss of function by premature protein truncation or nonsense-mediated mRNA decay. As such, this alteration is interpreted as a disease-causing mutation.

NM_000051.4(ATM):c.1464del (p.Trp488fs)

Gene: ATM (ATM serine/threonine kinase; plus strand). Cytogenetic location: 11q22.3.
Variant type: Deletion.
Coding change: c.1464del on transcript NM_000051.4 (MANE Select); coding-DNA position 1464, one base deleted (G; older notation c.1464delG).
Protein change: p.Trp488fs; shifts the reading frame from tryptophan 488.
Molecular consequence: frameshift variant.
Genome position (GRCh38, 1-based): chr11:108,250,929, G deleted; the last of 2 consecutive G bases (chr11:108,250,928-108,250,929); deleting either gives the same sequence. VCF-style (leftmost placement, unchanged base first): chr11-108250927-TG-T. GRCh37 (hg19) VCF-style: chr11-108121654-TG-T.
Other names: c.1464del, p.Trp488fs (NM_001351834.2); c.1464delG (NM_000051.3); short protein forms W488fs.
Identifiers: ClinVar variation 481328 (VCV000481328.5), dbSNP rs1555070994, ClinGen allele CA658656146.